The following is an entry in ClinVar:

ClinVar aggregate classification (germline): Likely pathogenic (1 of 4 stars; one submission).

Conditions:
Intellectual developmental disorder, autosomal recessive 71. Also called: MENTAL RETARDATION, AUTOSOMAL RECESSIVE 71. Identifiers: MedGen C5193133, MONDO:0032789, OMIM 618504.

Submission:

University of Washington Department of Laboratory Medicine, University of Washington
Classification: Likely pathogenic for Intellectual developmental disorder, autosomal recessive 71. Last evaluated: 2023-05-16. Review status: criteria provided, single submitter. Criteria: ACMG Guidelines, 2015. Collection method: clinical testing. Allele origin: maternal. Affected: yes.
Comment: The p.Trp504* variant in the ALKBH8 gene has not been previously reported in association with disease, although a missense variant (p.Trp504Ser) has been reported at this residue in an affected individual (Waqas 2022). This variant was absent from large population databases, including the Genome Aggregation Database. The p.Trp504* variant leads to a premature termination in the last exon of ALKBH8. Premature termination at this location is not predicted to undergo nonsense-mediated decay; increasing the likelihood a truncated protein is made. These predictions have not been tested directly. Notably, the p.Trp504* variant occurs near other reported premature termination and frameshift variants in the last exon of ALKBH8, several of which are 3' to codon 504, suggesting that this is a functionally important region (Monies 2019, Saad 2021, Waqas 2022). Using ACMG guidelines, this variant was classified as likely pathogenic for autosomal recessive ALKBH8-associated intellectual developmental disorder (ACMG evidence codes used: PVS1, PM2_supporting).

NM_138775.3(ALKBH8):c.1512G>A (p.Trp504Ter)

Gene: ALKBH8 (alkB homolog 8, tRNA methyltransferase; minus strand). Cytogenetic location: 11q22.3.
Variant type: single nucleotide variant.
Coding change: c.1512G>A on transcript NM_138775.3 (MANE Select); coding-DNA position 1512, G replaced by A.
Protein change: p.Trp504Ter; replaces tryptophan 504 with a stop codon.
Molecular consequence: nonsense. On other transcripts: non-coding transcript variant (6).
Genome position (GRCh38, 1-based): chr11:107,505,141, C>T on the plus strand (G>A on the coding strand, the complement: ALKBH8 is on the minus strand). VCF-style: chr11-107505141-C-T. GRCh37 (hg19) VCF-style: chr11-107375867-C-T.
Other names: c.1512G>A, p.Trp504Ter (NM_001301010.3); c.1362G>A, p.Trp454Ter (NM_001378133.1); short protein forms W454*, W504*.
Identifiers: ClinVar variation 3777077 (VCV003777077.1).